The following is an entry in ClinVar:

NM_001378418.1(TCF20):c.2078C>T (p.Thr693Met)

Gene: TCF20 (transcription factor 20; minus strand). Cytogenetic location: 22q13.2.
Variant type: single nucleotide variant.
Coding change: c.2078C>T on transcript NM_001378418.1 (MANE Select); coding-DNA position 2078, C replaced by T.
Protein change: p.Thr693Met; replaces threonine 693 with methionine.
Molecular consequence: missense variant.
Genome position (GRCh38, 1-based): chr22:42,213,228, G>A on the plus strand (C>T on the coding strand, the complement: TCF20 is on the minus strand). VCF-style: chr22-42213228-G-A. GRCh37 (hg19) VCF-style: chr22-42609234-G-A.
Other names: c.2078C>T (NM_005650.1); c.2078C>T, p.Thr693Met (NM_005650.4, NM_181492.3); short protein forms T693M.
Identifiers: ClinVar variation 2823274 (VCV002823274.4), dbSNP rs750513879, ClinGen allele CA10267069.

ClinVar aggregate classification (germline): Conflicting classifications of pathogenicity. Review status: criteria provided, conflicting classifications (1 of 4 stars). 2 submissions from 2 submitters: Uncertain significance (1); Likely benign (1). Last evaluated 2024-12-04.

Conditions:
Inborn genetic diseases. Identifiers: MedGen C0950123, MeSH D030342.

Allele frequency attached by ClinVar (database versions not stated): gnomAD 0.00001; gnomAD exomes 0.00001; TOPMed 0.00001; ExAC 0.00002.
gnomAD v4.1: 17 of 1,614,004 alleles (0.0011%); highest among the groups gnomAD compares: Admixed American, 0.012%; no homozygotes.

Submissions (2):

Ambry Genetics
Classification: Likely benign for Inborn genetic diseases. Last evaluated: 2024-12-04. Review status: criteria provided, single submitter. Criteria: Ambry Variant Classification Scheme 2023. Collection method: clinical testing. Allele origin: germline.

Labcorp Genetics (formerly Invitae), Labcorp
Classification: Uncertain significance. Last evaluated: 2023-05-16. Review status: criteria provided, single submitter. Criteria: Invitae Variant Classification Sherloc (09022015). Collection method: clinical testing. Allele origin: germline.
Comment: In summary, the available evidence is currently insufficient to determine the role of this variant in disease. Therefore, it has been classified as a Variant of Uncertain Significance. An algorithm developed to predict the effect of missense changes on protein structure and function (PolyPhen-2) suggests that this variant is likely to be tolerated. This variant has not been reported in the literature in individuals affected with TCF20-related conditions. This variant is present in population databases (rs750513879, gnomAD 0.02%). This sequence change replaces threonine, which is neutral and polar, with methionine, which is neutral and non-polar, at codon 693 of the TCF20 protein (p.Thr693Met).